The following is an entry in ClinVar:

NM_000548.5(TSC2):c.5021C>A (p.Thr1674Asn)

Gene: TSC2 (TSC complex subunit 2; plus strand). Cytogenetic location: 16p13.3.
Variant type: single nucleotide variant.
Coding change: c.5021C>A on transcript NM_000548.5 (MANE Select); coding-DNA position 5021, C replaced by A.
Protein change: p.Thr1674Asn; replaces threonine 1674 with asparagine.
Molecular consequence: missense variant. On other transcripts: non-coding transcript variant (5).
Genome position (GRCh38, 1-based): chr16:2,087,894, C>A. VCF-style: chr16-2087894-C-A. GRCh37 (hg19) VCF-style: chr16-2137895-C-A.
Other names: c.4820C>A, p.Thr1607Asn (NM_001077183.3); c.4952C>A, p.Thr1651Asn (NM_001114382.3); c.4712C>A, p.Thr1571Asn (NM_001318827.2); c.4676C>A, p.Thr1559Asn (NM_001318829.2); c.4289C>A, p.Thr1430Asn (NM_001318831.2); c.4853C>A, p.Thr1618Asn (NM_001318832.2); c.4823C>A, p.Thr1608Asn (NM_001363528.2); c.4889C>A, p.Thr1630Asn (NM_001370404.1); and 26 more; short protein forms T1073N, T1159N, T1182N, T1454N, T1558N, T1603N, T1608N, T1637N.
Identifiers: ClinVar variation 3462647 (VCV003462647.1).

ClinVar aggregate classification (germline): Uncertain significance (1 of 4 stars; one submission).

Conditions:
Hereditary cancer-predisposing syndrome. Also called: Tumor predisposition; Neoplastic Syndromes, Hereditary; Hereditary neoplastic syndrome; Hereditary Cancer Syndrome. Identifiers: Orphanet 140162, MedGen C0027672, MeSH D009386, MONDO:0015356.

Submission:

Ambry Genetics
Classification: Uncertain significance for Hereditary cancer-predisposing syndrome. Last evaluated: 2024-10-14. Review status: criteria provided, single submitter. Criteria: Ambry Variant Classification Scheme 2023. Collection method: clinical testing. Allele origin: germline.
Comment: The p.T1674N variant (also known as c.5021C>A), located in coding exon 38 of the TSC2 gene, results from a C to A substitution at nucleotide position 5021. The threonine at codon 1674 is replaced by asparagine, an amino acid with similar properties. This amino acid position is conserved. In addition, the in silico prediction for this alteration is inconclusive. Based on the available evidence, the clinical significance of this variant remains unclear.